The following is an entry in ClinVar:

NM_003052.5(SLC34A1):c.1037C>A (p.Pro346Gln)

Gene: SLC34A1 (solute carrier family 34 member 1; plus strand). Cytogenetic location: 5q35.3.
Variant type: single nucleotide variant.
Coding change: c.1037C>A on transcript NM_003052.5 (MANE Select); coding-DNA position 1037, C replaced by A.
Protein change: p.Pro346Gln; replaces proline 346 with glutamine.
Molecular consequence: missense variant.
Genome position (GRCh38, 1-based): chr5:177,394,058, C>A. VCF-style: chr5-177394058-C-A. GRCh37 (hg19) VCF-style: chr5-176821059-C-A.
Other names: short protein forms P346Q.
Identifiers: ClinVar variation 5006872 (VCV005006872.2).

ClinVar aggregate classification (germline): Uncertain significance (1 of 4 stars; one submission).

Conditions:
Hypercalcemia, infantile, 2 (HCINF2). Identifiers: Orphanet 300547, MedGen C4310473, MONDO:0014851, OMIM 616963.
Fanconi renotubular syndrome 2 (FRTS2). Identifiers: MedGen C3150652, MONDO:0013247, OMIM 613388.
Hypophosphatemic nephrolithiasis/osteoporosis 1. Identifiers: Orphanet 244305, MedGen C2676786, MONDO:0012850, OMIM 612286.

gnomAD v4.1: 9 of 1,614,056 alleles (0.00056%); highest among the groups gnomAD compares: East Asian, 0.02%; no homozygotes.

Submission:

Juno Genomics, Hangzhou Juno Genomics, Inc
Classification: Uncertain significance for Fanconi renotubular syndrome 2; Hypercalcemia, infantile, 2; Hypophosphatemic nephrolithiasis/osteoporosis 1. Review status: criteria provided, single submitter. Criteria: ACMG Guidelines, 2015. Collection method: clinical testing. Allele origin: germline.
Comment: Absent from controls (or at extremely low frequency if recessive) in Genome Aggregation Database.;Multiple lines of computational evidence support a deleterious effect on the gene or gene product.